The following is an entry in ClinVar:

ClinVar aggregate classification (germline): Uncertain significance (1 of 4 stars; one submission).

Conditions:
Osteogenesis imperfecta with normal sclerae, dominant form (OI4). Also called: OSTEOGENESIS IMPERFECTA WITH NORMAL SCLERAE; Osteogenesis imperfecta type 4; OSTEOGENESIS IMPERFECTA, TYPE IV, WITH DENTINOGENESIS IMPERFECTA; Osteogenesis Imperfecta Type IV; Common Variable Osteogenesis Imperfecta with Normal Sclerae. Identifiers: Orphanet 216820, Orphanet 666, MedGen C0268363, MONDO:0008148, OMIM 166220.
Ehlers-Danlos syndrome, cardiac valvular type. Identifiers: Orphanet 230851, MedGen C4303789, MONDO:0009159, OMIM 225320.
Combined osteogenesis imperfecta and Ehlers-Danlos syndrome 2. Also called: OIEDS SYNDROME 2. Identifiers: MedGen C5436847, MONDO:0030855, OMIM 619120.
Osteogenesis imperfecta, perinatal lethal (OI2). Also called: OI, TYPE II; OSTEOGENESIS IMPERFECTA CONGENITA; VROLIK TYPE OF OSTEOGENESIS IMPERFECTA; Osteogenesis imperfecta, dominant perinatal lethal; OSTEOGENESIS IMPERFECTA, TYPE II; Osteogenesis imperfecta type 2. Identifiers: Orphanet 216804, MedGen C0268358, MONDO:0008147, OMIM 166210.
Osteogenesis imperfecta type III (OI3). Also called: Osteogenesis imperfecta type 3; OI type 3; Osteogenesis imperfecta, progressively deforming with normal sclerae; OI type III; Progressively Deforming Osteogenesis Imperfecta. Identifiers: Orphanet 216812, Orphanet 666, MedGen C0268362, MONDO:0009804, OMIM 259420.
Ehlers-Danlos syndrome, arthrochalasia type, 2. Also called: EHLERS-DANLOS SYNDROME, TYPE VIIB, AUTOSOMAL DOMINANT. Identifiers: MedGen CN293783, MONDO:0040501, OMIM 617821.
Osteoporosis. Identifiers: MedGen C0029456, MONDO:0005298, OMIM 166710, HP:0000939.

Submission:

Juno Genomics, Hangzhou Juno Genomics, Inc
Classification: Uncertain significance for Osteoporosis; Combined osteogenesis imperfecta and Ehlers-Danlos syndrome 2; Ehlers-Danlos syndrome, arthrochalasia type, 2; Ehlers-Danlos syndrome, cardiac valvular type; Osteogenesis imperfecta, perinatal lethal; Osteogenesis imperfecta type III; Osteogenesis imperfecta with normal sclerae, dominant form. Review status: criteria provided, single submitter. Criteria: ACMG Guidelines, 2015. Collection method: clinical testing. Allele origin: germline.
Comment: Absent from controls (or at extremely low frequency if recessive) in Genome Aggregation Database.;Missense variant in a gene that has a low rate of benign missense variation.;Multiple lines of computational evidence support a deleterious effect on the gene or gene product.

NM_000089.4(COL1A2):c.3598G>A (p.Gly1200Ser)

Gene: COL1A2 (collagen type I alpha 2 chain; plus strand). Cytogenetic location: 7q21.3.
Variant type: single nucleotide variant.
Coding change: c.3598G>A on transcript NM_000089.4 (MANE Select); coding-DNA position 3598, G replaced by A.
Protein change: p.Gly1200Ser; replaces glycine 1200 with serine.
Molecular consequence: missense variant.
Genome position (GRCh38, 1-based): chr7:94,428,364, G>A. VCF-style: chr7-94428364-G-A. GRCh37 (hg19) VCF-style: chr7-94057676-G-A.
Other names: short protein forms G1200S.
Identifiers: ClinVar variation 5019716 (VCV005019716.2).
Genomic context (GRCh38, chr7:94,428,364, plus strand): 5'-ATTGACCCTAACCAAGGATGCACTATGGATGCTATCAAAGTATACTGTGATTTCTCTACT[G>A]GCGAAACCTGTATCCGGGCCCAACCTGAAAACATCCCAGCCAAGAACTGGTATAGGAGCT-3'
Protein context (NP_000080.2, residues 1190-1210): AIKVYCDFST[Gly1200Ser]ETCIRAQPEN